The following is an entry in ClinVar:

NM_007294.4(BRCA1):c.4986+2T>C

Gene: BRCA1 (BRCA1 DNA repair associated; minus strand). Cytogenetic location: 17q21.31.
Variant type: single nucleotide variant.
Coding change: c.4986+2T>C on transcript NM_007294.4 (MANE Select); the canonical splice donor site of the intron after coding-DNA position 4986, T replaced by C.
Molecular consequence: splice donor variant. On other transcripts: intron variant (1).
Genome position (GRCh38, 1-based): chr17:43,070,926, A>G on the plus strand (T>C on the coding strand, the complement: BRCA1 is on the minus strand). VCF-style: chr17-43070926-A-G. GRCh37 (hg19) VCF-style: chr17-41222943-A-G.
Other names: c.4716+2T>C (NM_001407934.1, NM_001407935.1, NM_001407936.1); c.1413+2T>C (NM_001408497.1, NM_001408498.1, NM_001408501.1 and 3 more transcripts); c.1677+2T>C (NM_001407973.1, NM_001407974.1, NM_001407975.1 and 3 more transcripts); c.4986+2T>C (NM_001407596.1, NM_001407652.1, NM_001407854.1 and 8 more transcripts); c.4098+2T>C (NM_001407966.1); c.4599+2T>C (NM_001407963.1); c.1293+2T>C (NM_001408511.1); c.1536+2T>C (NM_001408457.1, NM_001408455.1, NM_001408452.1 and 3 more transcripts); and 71 more.
Identifiers: ClinVar variation 55340 (VCV000055340.7), dbSNP rs397509210, ClinGen allele CA003120.

ClinVar aggregate classification (germline): Pathogenic (1 of 4 stars; one submission).

Conditions:
Breast-ovarian cancer, familial, susceptibility to, 1 (BROVCA1). Also called: BRCA1 Hereditary Breast and Ovarian Cancer; OVARIAN CANCER, SUSCEPTIBILITY TO. Identifiers: Orphanet 145, MedGen C2676676, MONDO:0011450, OMIM 604370. Disease mechanism: loss of function.

gnomAD v4.1: 1 of 1,614,140 alleles (0.000062%); no homozygotes.

Submissions (2):

Consortium of Investigators of Modifiers of BRCA1/2 (CIMBA), c/o University of Cambridge
Classification: Pathogenic for Breast-ovarian cancer, familial, susceptibility to, 1. Last evaluated: 2015-10-02. Review status: criteria provided, single submitter. Criteria: CIMBA Mutation Classification guidelines May 2016. Collection method: clinical testing. Allele origin: germline.

Brotman Baty Institute, University of Washington
No classification provided (evidence only). Condition: Breast-ovarian cancer, familial 1. Review status: no classification provided. Collection method: in vitro. Allele origin: not applicable. Functional consequence: functionally_abnormal. Not counted in ClinVar's aggregate classification.
ClinVar note: "not provided" was previously submitted as the classification for the variant. However, the classification appeared to be based only on an observation of functional data so it was converted to no classification on 2025-07-30.